The following is an entry in ClinVar:

ClinVar aggregate classification (germline): Pathogenic (1 of 4 stars; one submission).

Conditions:
Curry-Hall syndrome (WAD). Also called: WEYERS ACRODENTAL DYSOSTOSIS. Identifiers: Orphanet 952, MedGen C0457013, MONDO:0008673, OMIM 193530.
Ellis-van Creveld syndrome (EVC). Also called: EVC-Related Ellis-van Creveld Syndrome; EVC2-Related Ellis-van Creveld Syndrome; MESOECTODERMAL DYSPLASIA; Chondroectodermal dysplasia. Identifiers: Orphanet 289, MedGen C0013903, MONDO:0009162, OMIM 225500.

Submission:

Labcorp Genetics (formerly Invitae), Labcorp
Classification: Pathogenic for Curry-Hall syndrome; Ellis-van Creveld syndrome. Last evaluated: 2024-01-16. Review status: criteria provided, single submitter. Criteria: Invitae Variant Classification Sherloc (09022015). Collection method: clinical testing. Allele origin: germline.
Comment: This sequence change creates a premature translational stop signal (p.Val329Glyfs*4) in the EVC gene. It is expected to result in an absent or disrupted protein product. Loss-of-function variants in EVC are known to be pathogenic (PMID: 23220543). This variant is not present in population databases (gnomAD no frequency). This variant has not been reported in the literature in individuals affected with EVC-related conditions. For these reasons, this variant has been classified as Pathogenic.

Literature cited by the submitters: PubMed 23220543.

NM_153717.3(EVC):c.986_987del (p.Val329fs)

Gene: EVC (EvC ciliary complex subunit 1; plus strand). Cytogenetic location: 4p16.2.
Variant type: Microsatellite.
Coding change: c.986_987del on transcript NM_153717.3 (MANE Select); coding-DNA positions 986 to 987, 2 bases deleted (TG; older notation c.986_987delTG).
Protein change: p.Val329fs; shifts the reading frame from valine 329.
Molecular consequence: frameshift variant.
Genome position (GRCh38, 1-based): chr4:5,748,194-5,748,195, TG deleted; deleting any 2 consecutive bases within chr4:5,748,192-5,748,195 gives the same sequence; the c. name uses the placement nearest the transcript's 3' end. VCF-style (leftmost placement, unchanged base first): chr4-5748191-TTG-T. GRCh37 (hg19) VCF-style: chr4-5749918-TTG-T.
Other names: c.986_987del, p.Val329fs (NM_001306090.2, NM_001306092.2); short protein forms V329fs.
Identifiers: ClinVar variation 2922237 (VCV002922237.3), dbSNP rs2475161097, ClinGen allele CA2740091173.